The following is an entry in ClinVar:

NM_002351.5(SH2D1A):c.152T>C (p.Ile51Thr)

Gene: SH2D1A (SH2 domain containing 1A; plus strand). Cytogenetic location: Xq25.
Variant type: single nucleotide variant.
Coding change: c.152T>C on transcript NM_002351.5 (MANE Select); coding-DNA position 152, T replaced by C.
Protein change: p.Ile51Thr; replaces isoleucine 51 with threonine.
Molecular consequence: missense variant.
Genome position (GRCh38, 1-based): chrX:124,365,775, T>C. VCF-style: chrX-124365775-T-C. GRCh37 (hg19) VCF-style: chrX-123499625-T-C.
Other names: c.152T>C, p.Ile51Thr (NM_001114937.3); short protein forms I51T.
Identifiers: ClinVar variation 2810079 (VCV002810079.3), dbSNP rs2522814895, ClinGen allele CA414123444.

ClinVar aggregate classification (germline): Uncertain significance (1 of 4 stars; one submission).

Conditions:
X-linked lymphoproliferative disease due to SH2D1A deficiency (XLP1). Also called: SH2D1A-Related Lymphoproliferative Disease, X-Linked; EBV infection severe susceptibility to; Epstein Barr virus infection familial fatal; Duncan's syndrome; DUNCAN DISEASE; IMMUNODEFICIENCY 5. Identifiers: Orphanet 2442, Orphanet 538931, MedGen C5399825, MONDO:0024551, OMIM 308240.

Submission:

Labcorp Genetics (formerly Invitae), Labcorp
Classification: Uncertain significance for X-linked lymphoproliferative disease due to SH2D1A deficiency. Last evaluated: 2022-10-27. Review status: criteria provided, single submitter. Criteria: Invitae Variant Classification Sherloc (09022015). Collection method: clinical testing. Allele origin: germline.
Comment: In summary, the available evidence is currently insufficient to determine the role of this variant in disease. Therefore, it has been classified as a Variant of Uncertain Significance. Algorithms developed to predict the effect of missense changes on protein structure and function (SIFT, PolyPhen-2, Align-GVGD) all suggest that this variant is likely to be disruptive. This variant has not been reported in the literature in individuals affected with SH2D1A-related conditions. This variant is not present in population databases (gnomAD no frequency). This sequence change replaces isoleucine, which is neutral and non-polar, with threonine, which is neutral and polar, at codon 51 of the SH2D1A protein (p.Ile51Thr).